The following is an entry in ClinVar:

ClinVar aggregate classification (germline): Uncertain significance. Review status: criteria provided, multiple submitters, no conflicts (2 of 4 stars). 3 submissions from 3 submitters: Uncertain significance (3). Last evaluated 2025-09-03.

Conditions:
Marfan syndrome (MFS). Also called: MARFAN SYNDROME, TYPE I; Marfan syndrome type 1; Marfan's syndrome; FBN1-Related Marfan Syndrome; Marfan syndrome, classic. Identifiers: Orphanet 284963, Orphanet 558, MedGen C0024796, MONDO:0007947, OMIM 154700.
Familial thoracic aortic aneurysm and aortic dissection (TAAD). Also called: Thoracic aortic aneurysms and dissections. Identifiers: Orphanet 91387, MedGen C4707243, MONDO:0019625.

gnomAD v4.1: 5 of 1,614,156 alleles (0.00031%); highest among the groups gnomAD compares: Non-Finnish European, 0.00042%; no homozygotes.

Submissions (3):

Color Diagnostics, LLC DBA Color Health
Classification: Uncertain significance for Familial thoracic aortic aneurysm and aortic dissection. Last evaluated: 2025-09-03. Review status: criteria provided, single submitter. Criteria: ACMG Guidelines, 2015. Collection method: clinical testing. Allele origin: germline.
Comment: This missense variant replaces leucine with phenylalanine at codon 1414 of the FBN1 protein. Computational prediction suggests that this variant may have deleterious impact on protein structure and function. To our knowledge, functional studies have not been reported for this variant. This variant has not been reported in individuals affected with FBN1-related disorders in the literature. This variant has been identified in 1/251416 chromosomes in the general population by the Genome Aggregation Database (gnomAD). The available evidence is insufficient to determine the role of this variant in disease conclusively. Therefore, this variant is classified as a Variant of Uncertain Significance.

All of Us Research Program, National Institutes of Health
Classification: Uncertain significance for Marfan syndrome. Last evaluated: 2024-08-06. Review status: criteria provided, single submitter. Criteria: ACMG Guidelines, 2015. Collection method: clinical testing. Allele origin: germline. Inheritance: Autosomal dominant inheritance. Observed: 1 variant allele, 1 heterozygote.
Comment: This study involves interpretation of variants in research participants for the purpose of population health screening. Participant phenotype was not available at the time of variant classification. Additional details can be found in publication PMID: 35346344, PMCID: PMC8962531

Labcorp Genetics (formerly Invitae), Labcorp
Classification: Uncertain significance for Marfan syndrome; Familial thoracic aortic aneurysm and aortic dissection. Last evaluated: 2024-07-01. Review status: criteria provided, single submitter. Criteria: Invitae Variant Classification Sherloc (09022015). Collection method: clinical testing. Allele origin: germline.
Comment: This sequence change replaces leucine, which is neutral and non-polar, with phenylalanine, which is neutral and non-polar, at codon 1414 of the FBN1 protein (p.Leu1414Phe). This variant is present in population databases (rs376840416, gnomAD 0.0009%). This variant has not been reported in the literature in individuals affected with FBN1-related conditions. Advanced modeling of protein sequence and biophysical properties (such as structural, functional, and spatial information, amino acid conservation, physicochemical variation, residue mobility, and thermodynamic stability) performed at Invitae indicates that this missense variant is expected to disrupt FBN1 protein function with a positive predictive value of 95%. In summary, the available evidence is currently insufficient to determine the role of this variant in disease. Therefore, it has been classified as a Variant of Uncertain Significance.

NM_000138.5(FBN1):c.4240C>T (p.Leu1414Phe)

Genes: FBN1 (fibrillin 1; minus strand), LOC126862124 (CDK7 strongly-dependent group 2 enhancer GRCh37_chr15:48764566-48765765; plus strand). Cytogenetic location: 15q21.1.
Variant type: single nucleotide variant.
Coding change: c.4240C>T on transcript NM_000138.5 (MANE Select); coding-DNA position 4240, C replaced by T.
Protein change: p.Leu1414Phe; replaces leucine 1414 with phenylalanine.
Molecular consequence: missense variant.
Genome position (GRCh38, 1-based): chr15:48,472,647, G>A on the plus strand (C>T on the coding strand, the complement: FBN1 is on the minus strand). VCF-style: chr15-48472647-G-A. GRCh37 (hg19) VCF-style: chr15-48764844-G-A.
Other names: c.4240C>T, p.Leu1414Phe (NM_001406716.1); short protein forms L1414F.
Identifiers: ClinVar variation 3386801 (VCV003386801.3).